The following is an entry in ClinVar:

NM_002734.5(PRKAR1A):c.204G>A (p.Leu68=)

Gene: PRKAR1A (protein kinase cAMP-dependent type I regulatory subunit alpha; plus strand). Cytogenetic location: 17q24.2.
Variant type: single nucleotide variant.
Coding change: c.204G>A on transcript NM_002734.5 (MANE Select); coding-DNA position 204, G replaced by A.
Protein change: p.Leu68=; no amino-acid change (leucine 68 retained).
Molecular consequence: synonymous variant.
Genome position (GRCh38, 1-based): chr17:68,522,782, G>A. VCF-style: chr17-68522782-G-A. GRCh37 (hg19) VCF-style: chr17-66518923-G-A.
Other names: p.Leu68=; c.204G>A (NM_212471.2); c.204G>A, p.Leu68= (NM_001276289.2, NM_001276290.1, NM_001278433.2 and 4 more transcripts).
Identifiers: ClinVar variation 41044 (VCV000041044.36), dbSNP rs74863634, ClinGen allele CA8729193.

ClinVar aggregate classification (germline): Benign/Likely benign. Review status: criteria provided, multiple submitters, no conflicts (2 of 4 stars). 12 submissions from 11 submitters: Benign (6); Likely benign (6). Last evaluated 2026-06-01.

Conditions:
Hereditary cancer-predisposing syndrome. Also called: Tumor predisposition; Neoplastic Syndromes, Hereditary; Hereditary Cancer Syndrome; Hereditary neoplastic syndrome. Identifiers: Orphanet 140162, MedGen C0027672, MeSH D009386, MONDO:0015356.
Carney complex, type 1 (CNC1). Also called: CARNEY COMPLEX, TYPE I; CARNEY MYXOMA-ENDOCRINE COMPLEX. Identifiers: Orphanet 1359, MedGen C2607929, MONDO:0008057, OMIM 160980.
Acrodysostosis 1 with or without hormone resistance (ACRDYS1). Also called: ACRODYSOSTOSIS 1 WITH HORMONE RESISTANCE; ACRODYSOSTOSIS 1 WITHOUT HORMONE RESISTANCE; ACRODYSOSTOSIS WITH HORMONE RESISTANCE. Identifiers: Orphanet 280651, MedGen C3276228, MONDO:0007044, OMIM 101800.
Familial atrial myxoma. Identifiers: Orphanet 615, MedGen C2931787, MONDO:0009719, OMIM 255960.
Pigmented nodular adrenocortical disease, primary, 1 (PPNAD1). Also called: CUSHING SYNDROME, ADRENAL, DUE TO PPNAD1; PIGMENTED MICRONODULAR ADRENOCORTICAL DISEASE, PRIMARY, 1; ADRENOCORTICAL NODULAR DYSPLASIA, PRIMARY. Identifiers: Orphanet 189439, MedGen C1864846, MONDO:0012509, OMIM 610489.

Allele frequency attached by ClinVar (database versions not stated): gnomAD exomes 0.00042 and 0.00119; ExAC 0.00146; gnomAD 0.00384 and 0.00405; ESP Exome Variant Server 0.00431; TOPMed 0.00450; 1000 Genomes Project 0.00579; 1000 Genomes Project 30x 0.00593.

Submissions (12):

CeGaT Center for Human Genetics Tuebingen
Classification: Likely benign. Last evaluated: 2026-06-01. Review status: criteria provided, single submitter. Criteria: CeGaT Center For Human Genetics Tuebingen Variant Classification Criteria Version 2. Collection method: clinical testing. Allele origin: germline. Affected: yes. Observed: 2 variant alleles.
Comment: PRKAR1A: BP4, BP7, BS1

Labcorp Genetics (formerly Invitae), Labcorp
Classification: Benign for Carney complex, type 1. Last evaluated: 2026-02-04. Review status: criteria provided, single submitter. Criteria: Invitae Variant Classification Sherloc (09022015). Collection method: clinical testing. Allele origin: germline.

Mayo Clinic Laboratories, Mayo Clinic
Classification: Likely benign. Last evaluated: 2025-08-22. Review status: criteria provided, single submitter. Criteria: ACMG Guidelines, 2015. Collection method: clinical testing. Allele origin: germline. Observed: 2 variant alleles.
Comment: BS1, BP4, BP7

Blueprint Genetics
Classification: Likely benign. Last evaluated: 2024-11-13. Review status: criteria provided, single submitter. Criteria: ACMG Guidelines, 2015. Collection method: clinical testing. Allele origin: germline.

KCCC/NGS Laboratory, Kuwait Cancer Control Center
Classification: Benign for Familial atrial myxoma. Last evaluated: 2023-07-07. Review status: criteria provided, single submitter. Criteria: ACMG Guidelines, 2015. Collection method: clinical testing. Allele origin: germline. Affected: yes.

Fulgent Genetics
Classification: Likely benign for Acrodysostosis 1 with or without hormone resistance; Carney complex, type 1; Familial atrial myxoma; Pigmented nodular adrenocortical disease, primary, 1. Last evaluated: 2021-12-15. Review status: criteria provided, single submitter. Criteria: ACMG Guidelines, 2015. Collection method: clinical testing. Allele origin: unknown.

Genetic Services Laboratory, University of Chicago
Classification: Benign. Last evaluated: 2021-04-02. Review status: criteria provided, single submitter. Criteria: ACMG Guidelines, 2015. Collection method: clinical testing. Allele origin: germline. Affected: no.

GeneDx
Classification: Benign. Last evaluated: 2019-11-25. Review status: criteria provided, single submitter. Criteria: GeneDx Variant Classification Process June 2021. Collection method: clinical testing. Allele origin: germline. Affected: yes.
Comment: This variant is associated with the following publications: (PMID: 20358582)

Illumina Laboratory Services, Illumina
Classification: Benign for Carney complex, type 1. Last evaluated: 2018-01-13. Review status: criteria provided, single submitter. Criteria: ICSL Variant Classification Criteria 13 December 2019. Collection method: clinical testing. Allele origin: germline.
Comment: This variant was observed in the ICSL laboratory as part of a predisposition screen in an ostensibly healthy population. It had not been previously curated by ICSL or reported in the Human Gene Mutation Database (HGMD: prior to June 1st, 2018), and was therefore a candidate for classification through an automated scoring system. Utilizing variant allele frequency, disease prevalence and penetrance estimates, and inheritance mode, an automated score was calculated to assess if this variant is too frequent to cause the disease. Based on the score and internal cut-off values, a variant classified as benign is not then subjected to further curation. The score for this variant resulted in a classification of benign for this disease.

Illumina Laboratory Services, Illumina
Classification: Benign for Acrodysostosis 1 with or without hormone resistance. Last evaluated: 2018-01-13. Review status: criteria provided, single submitter. Criteria: ICSL Variant Classification Criteria 13 December 2019. Collection method: clinical testing. Allele origin: germline.
Comment: the same text as in the submission from Illumina Laboratory Services, Illumina above.

Ambry Genetics
Classification: Likely benign for Hereditary cancer-predisposing syndrome. Last evaluated: 2017-02-08. Review status: criteria provided, single submitter. Criteria: Ambry Variant Classification Scheme 2023. Collection method: clinical testing. Allele origin: germline.

Breakthrough Genomics
Classification: Likely benign. Review status: criteria provided, single submitter. Criteria: ACMG Guidelines, 2015. Collection method: not provided. Allele origin: germline. Inheritance: Autosomal dominant inheritance. Affected: yes.